The following is an entry in ClinVar:

NM_005585.5(SMAD6):c.583G>A (p.Val195Met)

Gene: SMAD6 (SMAD family member 6; plus strand). Cytogenetic location: 15q22.31.
Variant type: single nucleotide variant.
Coding change: c.583G>A on transcript NM_005585.5 (MANE Select); coding-DNA position 583, G replaced by A.
Protein change: p.Val195Met; replaces valine 195 with methionine.
Molecular consequence: missense variant. On other transcripts: non-coding transcript variant (1).
Genome position (GRCh38, 1-based): chr15:66,703,841, G>A. VCF-style: chr15-66703841-G-A. GRCh37 (hg19) VCF-style: chr15-66996179-G-A.
Other names: c.583G>A (NM_005585.4); short protein forms V195M.
Identifiers: ClinVar variation 2162955 (VCV002162955.5), dbSNP rs2545312333, ClinGen allele CA392949836.
Genomic context (GRCh38, chr15:66,703,841, plus strand): 5'-GTCACGTACTCGCTGCTGAAGCGGCTCAAGGAGCGCTCGCTGGACACGCTGCTGGAGGCG[G>A]TGGAGTCCCGCGGCGGCGTGCCGGGCGGCTGCGTGCTGGTGCCGCGCGCCGACCTCCGCC-3'
Protein context (NP_005576.3, residues 185-205): ERSLDTLLEA[Val195Met]ESRGGVPGGC

ClinVar aggregate classification (germline): Uncertain significance. Review status: criteria provided, multiple submitters, no conflicts (2 of 4 stars). 2 submissions from 2 submitters: Uncertain significance (2). Last evaluated 2025-05-19.

Conditions:
Inborn genetic diseases. Identifiers: MedGen C0950123, MeSH D030342.
Aortic valve disease 2 (AOVD2). Identifiers: MedGen C3542024, MONDO:0013902, OMIM 614823.

gnomAD v4.1: 17 of 1,384,366 alleles (0.0012%); highest among the groups gnomAD compares: South Asian, 0.0016%; no homozygotes.

Submissions (2):

Ambry Genetics
Classification: Uncertain significance for Inborn genetic diseases. Last evaluated: 2025-05-19. Review status: criteria provided, single submitter. Criteria: Ambry Variant Classification Scheme 2023. Collection method: clinical testing. Allele origin: germline.

Labcorp Genetics (formerly Invitae), Labcorp
Classification: Uncertain significance for Aortic valve disease 2. Last evaluated: 2022-09-17. Review status: criteria provided, single submitter. Criteria: Invitae Variant Classification Sherloc (09022015). Collection method: clinical testing. Allele origin: germline.
Comment: This variant is not present in population databases (gnomAD no frequency). This sequence change replaces valine, which is neutral and non-polar, with methionine, which is neutral and non-polar, at codon 195 of the SMAD6 protein (p.Val195Met). This variant has not been reported in the literature in individuals affected with SMAD6-related conditions. Advanced modeling of protein sequence and biophysical properties (such as structural, functional, and spatial information, amino acid conservation, physicochemical variation, residue mobility, and thermodynamic stability) performed at Invitae indicates that this missense variant is not expected to disrupt SMAD6 protein function. In summary, the available evidence is currently insufficient to determine the role of this variant in disease. Therefore, it has been classified as a Variant of Uncertain Significance.